The following is an entry in ClinVar:

ClinVar aggregate classification (germline): Conflicting classifications of pathogenicity. Review status: criteria provided, conflicting classifications (1 of 4 stars). 2 submissions from 2 submitters: Likely pathogenic (1); Uncertain significance (1). Last evaluated 2025-06-27.

Conditions:
Galactosemia. Also called: Galactose intolerance. Identifiers: Orphanet 352, MedGen C0016952, MONDO:0018116, HP:0004919. Disease mechanism: loss of function.

Allele frequency attached by ClinVar (database versions not stated): gnomAD exomes below 0.00001.
gnomAD v4.1: 6 of 1,614,148 alleles (0.00037%); highest among the groups gnomAD compares: Middle Eastern, 0.016%; no homozygotes.

Submissions (2):

Natera, Inc.
Classification: Likely pathogenic for Galactosemia. Last evaluated: 2025-06-27. Review status: criteria provided, single submitter. Criteria: Natera Variant Classification Schema (03/2026). Collection method: clinical testing. Allele origin: germline.
Comment: The c.341A>C variant in GALT is a missense variant predicted to cause substitution of histidine to proline at amino acid 114. This variant is rare in the general population with a frequency below the threshold expected for the associated phenotype(s). This variant has been observed in one or more individuals affected with the associated recessive disease, as either homozygous or compound heterozygous with a second variant (PMID: 22944367, 21501963, 20100763). Given the available evidence, this variant is classified as Likely Pathogenic.

Eurofins Ntd Llc (ga)
Classification: Uncertain significance. Last evaluated: 2015-09-24. Review status: criteria provided, single submitter. Criteria: EGL Classification Definitions 2015. Collection method: clinical testing. Allele origin: germline. Observed: 2 variant alleles, 2 heterozygotes.

Literature cited by the submitters: PubMed 22944367 (cited by Natera, Inc.); PubMed 21501963 (cited by Natera, Inc.); PubMed 20100763 (cited by Natera, Inc.).

NM_000155.4(GALT):c.341A>C (p.His114Pro)

Gene: GALT (galactose-1-phosphate uridylyltransferase; plus strand). Cytogenetic location: 9p13.3.
Variant type: single nucleotide variant.
Coding change: c.341A>C on transcript NM_000155.4 (MANE Select); coding-DNA position 341, A replaced by C.
Protein change: p.His114Pro; replaces histidine 114 with proline.
Molecular consequence: missense variant. On other transcripts: intron variant (1).
Genome position (GRCh38, 1-based): chr9:34,647,669, A>C. VCF-style: chr9-34647669-A-C. GRCh37 (hg19) VCF-style: chr9-34647666-A-C.
Other names: c.341A>C (NM_000155.3); c.51-163A>C (NM_001258332.2); short protein forms H114P.
Identifiers: ClinVar variation 280963 (VCV000280963.6), dbSNP rs111033678, ClinGen allele CA10603757.